The following is an entry in ClinVar:

NM_018718.3(CEP41):c.514C>T (p.Pro172Ser)

Gene: CEP41 (centrosomal protein 41; minus strand). Cytogenetic location: 7q32.2.
Variant type: single nucleotide variant.
Coding change: c.514C>T on transcript NM_018718.3 (MANE Select); coding-DNA position 514, C replaced by T.
Protein change: p.Pro172Ser; replaces proline 172 with serine.
Molecular consequence: missense variant. On other transcripts: non-coding transcript variant (1).
Genome position (GRCh38, 1-based): chr7:130,402,708, G>A on the plus strand (C>T on the coding strand, the complement: CEP41 is on the minus strand). VCF-style: chr7-130402708-G-A. GRCh37 (hg19) VCF-style: chr7-130042549-G-A.
Other names: c.514C>T, p.Pro172Ser (NM_001257158.2); c.466C>T, p.Pro156Ser (NM_001257159.2); short protein forms P172S, P156S.
Identifiers: ClinVar variation 956790 (VCV000956790.9), dbSNP rs781914996, ClinGen allele CA4485559.

ClinVar aggregate classification (germline): Uncertain significance (1 of 4 stars; one submission).

Conditions:
Joubert syndrome 15 (JBTS15). Identifiers: Orphanet 475, MedGen C3280897, MONDO:0013763, OMIM 614464.

Allele frequency attached by ClinVar (database versions not stated): gnomAD exomes below 0.00001; ExAC 0.00001; TOPMed 0.00001; gnomAD 0.00002.

Submission:

Labcorp Genetics (formerly Invitae), Labcorp
Classification: Uncertain significance for Joubert syndrome 15. Last evaluated: 2023-11-27. Review status: criteria provided, single submitter. Criteria: Invitae Variant Classification Sherloc (09022015). Collection method: clinical testing. Allele origin: germline.
Comment: This sequence change replaces proline, which is neutral and non-polar, with serine, which is neutral and polar, at codon 172 of the CEP41 protein (p.Pro172Ser). This variant is present in population databases (rs781914996, gnomAD 0.002%). This variant has not been reported in the literature in individuals affected with CEP41-related conditions. ClinVar contains an entry for this variant (Variation ID: 956790). Advanced modeling of protein sequence and biophysical properties (such as structural, functional, and spatial information, amino acid conservation, physicochemical variation, residue mobility, and thermodynamic stability) performed at Invitae indicates that this missense variant is expected to disrupt CEP41 protein function with a positive predictive value of 80%. In summary, the available evidence is currently insufficient to determine the role of this variant in disease. Therefore, it has been classified as a Variant of Uncertain Significance.